The following is an entry in ClinVar:

NM_012199.5(AGO1):c.1110T>G (p.Ala370=)

Gene: AGO1 (argonaute RISC component 1; plus strand). Cytogenetic location: 1p34.3.
Variant type: single nucleotide variant.
Coding change: c.1110T>G on transcript NM_012199.5 (MANE Select); coding-DNA position 1110, T replaced by G.
Protein change: p.Ala370=; no amino-acid change (alanine 370 retained).
Molecular consequence: synonymous variant.
Genome position (GRCh38, 1-based): chr1:35,901,563, T>G. VCF-style: chr1-35901563-T-G. GRCh37 (hg19) VCF-style: chr1-36367164-T-G.
Other names: c.1110T>G, p.Ala370= (NM_001317122.2); c.885T>G, p.Ala295= (NM_001317123.2).
Identifiers: ClinVar variation 5041757 (VCV005041757.1).

ClinVar aggregate classification (germline): Likely benign (1 of 4 stars; one submission).

Submission:

CeGaT Center for Human Genetics Tuebingen
Classification: Likely benign. Last evaluated: 2026-09-01. Review status: criteria provided, single submitter. Criteria: CeGaT Center For Human Genetics Tuebingen Variant Classification Criteria Version 2. Collection method: clinical testing. Allele origin: germline. Affected: yes. Observed: 1 variant allele.
Comment: AGO1: PM2:Supporting, BP4, BP7